The following is an entry in ClinVar:

ClinVar aggregate classification (germline): no classifications from unflagged records (0 of 4 stars; one submission).

Conditions:
Pulmonary fibrosis and/or bone marrow failure syndrome, telomere-related, 9 (PFBMFT9). Identifiers: MedGen C5830560, MONDO:0957294, OMIM 620400.

Submission:

OMIM
Classification: Pathogenic for PULMONARY FIBROSIS AND/OR BONE MARROW FAILURE SYNDROME, TELOMERE-RELATED, 9 (1 family). Last evaluated: 2025-08-19. Review status: flagged submission. Collection method: literature only. Allele origin: germline.
ClinVar note: Notes: Flagging candidate with reason of insufficient supporting evidence. This gene has been classified as having a limited gene-disease relationship by a ClinGen Expert Panel.
ClinVar note: Reason: P/LP classification for a variant in a gene with insufficient evidence for a gene-disease relationship

Literature cited by the submitters: PubMed 32139460.

NM_018648.4(NOP10):c.17A>G (p.Tyr6Cys)

Gene: NOP10 (NOP10 ribonucleoprotein; minus strand). Cytogenetic location: 15q14.
Variant type: single nucleotide variant.
Coding change: c.17A>G on transcript NM_018648.4 (MANE Select); coding-DNA position 17, A replaced by G.
Protein change: p.Tyr6Cys; replaces tyrosine 6 with cysteine.
Molecular consequence: missense variant.
Genome position (GRCh38, 1-based): chr15:34,343,057, T>C on the plus strand (A>G on the coding strand, the complement: NOP10 is on the minus strand). VCF-style: chr15-34343057-T-C. GRCh37 (hg19) VCF-style: chr15-34635258-T-C.
Other names: Y6C.
Identifiers: ClinVar variation 2504086 (VCV002504086.3), dbSNP rs2510095937, ClinGen allele CA391622414.
Genomic context (GRCh38, chr15:34,343,057, plus strand): 5'-TACACCCTGTTTTCTCTCCTCACCTTCAGCGTATAGACTCGATCTCCCTGCTCGTTGAGG[T>C]AATACTGGAGAAACATGATCGCTTATAAGCCAGCGGTCCCAATTCGGTCCACCGCTCAGT-3'
Protein context (NP_061118.1, residues 1-16): MFLQY[Tyr6Cys]LNEQGDRVYT